The following is an entry in ClinVar:

NM_133433.4(NIPBL):c.3855+1G>A

Gene: NIPBL (NIPBL cohesin loading factor; plus strand). Cytogenetic location: 5p13.2.
Variant type: single nucleotide variant.
Coding change: c.3855+1G>A on transcript NM_133433.4 (MANE Select); the canonical splice donor site of the intron after coding-DNA position 3855, G replaced by A.
Molecular consequence: splice donor variant.
Genome position (GRCh38, 1-based): chr5:37,003,348, G>A. VCF-style: chr5-37003348-G-A. GRCh37 (hg19) VCF-style: chr5-37003450-G-A.
Other names: c.3855+1G>A (NM_015384.5).
Identifiers: ClinVar variation 580816 (VCV000580816.11), dbSNP rs587783933, ClinGen allele CA359522438.

ClinVar aggregate classification (germline): Pathogenic (1 of 4 stars; one submission).

Conditions:
Cornelia de Lange syndrome 1 (CDLS1). Also called: Brachmann de Lange syndrome; TYPUS DEGENERATIVUS AMSTELODAMENSIS; NIPBL-Related Cornelia de Lange Syndrome. Identifiers: Orphanet 199, MedGen C4551851, MONDO:0007387, OMIM 122470.

Submission:

Labcorp Genetics (formerly Invitae), Labcorp
Classification: Pathogenic for Cornelia de Lange syndrome 1. Last evaluated: 2025-10-26. Review status: criteria provided, single submitter. Criteria: Invitae Variant Classification Sherloc (09022015). Collection method: clinical testing. Allele origin: germline.
Comment: This sequence change affects a donor splice site in intron 16 of the NIPBL gene. It is expected to disrupt RNA splicing. Variants that disrupt the donor or acceptor splice site typically lead to a loss of protein function (PMID: 16199547), and loss-of-function variants in NIPBL are known to be pathogenic (PMID: 15318302, 19763162, 23505322, 29995837). This variant is not present in population databases (gnomAD no frequency). Disruption of this splice site has been observed in individuals with clinical features of Cornelia de Lange syndrome (PMID: 23254390; internal data). ClinVar contains an entry for this variant (Variation ID: 580816). Algorithms developed to predict the effect of sequence changes on RNA splicing suggest that this variant may disrupt the consensus splice site. For these reasons, this variant has been classified as Pathogenic.

Literature cited by the submitters: PubMed 16199547; PubMed 15318302; PubMed 19763162; PubMed 23505322; PubMed 29995837; PubMed 23254390.